The following continues an entry in ClinVar:

NM_000018.4(ACADVL):c.1096C>T (p.Arg366Cys)

Gene: ACADVL. ClinVar aggregate classification (germline): Likely pathogenic. Likely pathogenic (1).

Submissions 10 to 17 of 17:

Women's Health and Genetics/Laboratory Corporation of America, LabCorp
Classification: Likely pathogenic for Very long chain acyl-CoA dehydrogenase deficiency. Last evaluated: 2023-10-13. Review status: criteria provided, single submitter. Criteria: LabCorp Variant Classification Summary - May 2015. Collection method: clinical testing. Allele origin: germline. Not counted in ClinVar's aggregate classification.
Comment: Variant summary: ACADVL c.1096C>T (p.Arg366Cys) results in a non-conservative amino acid change located in the Acyl-CoA dehydrogenase/oxidase C-terminal domain (IPR009075) of the encoded protein sequence. Five of five in-silico tools predict a damaging effect of the variant on protein function. The variant allele was found at a frequency of 2e-05 in 251484 control chromosomes (gnomAD). c.1096C>T has been reported in the literature in individuals that were clinically diagnosed or identified via newborn screening to be affected with Very Long Chain Acyl-CoA Dehydrogenase Deficiency (Andresen_1996, Miller_2015, Maguolo_2020, Osawa_2022). These data indicate that the variant is likely to be associated with disease. Experimental evidence showed decreased enzyme activity in compound heterozygous individuals with the variant (e.g. Andresen_1996). The following publications have been ascertained in the context of this evaluation (PMID: 8845838, 8739957, 32793418, 26385305, 35400565). A different variant affecting the same codon (c.1097G>A , p.Arg366His) has been classified pathogenic in ClinVar (CV ID 203580). Eight ClinVar submitters (evaluation after 2014) cite the variant as pathogenic/likely pathogenic and one ClinVar submitter (evaluation after 2014) cites it as uncertain significance. Based on the evidence outlined above, the variant was classified as likely pathogenic

ARUP Laboratories, Molecular Genetics and Genomics, ARUP Laboratories
Classification: Pathogenic for Very long chain acyl-CoA dehydrogenase deficiency. Last evaluated: 2022-11-15. Review status: criteria provided, single submitter. Criteria: ARUP Molecular Germline Variant Investigation Process 2021. Collection method: clinical testing. Allele origin: germline. Not counted in ClinVar's aggregate classification.
Comment: The ACADVL c.1096C>T; p.Arg366Cys variant (rs771874163) has been reported in individuals with VLCAD deficiency (Andresen 1996) or in abnormal newborn results (Hoffmann 2012, Spiekerkoetter 2010). Analysis of enzymatic activity indicates that the variant protein has reduced activity compared to wildtype, with individuals showing residual activity less than 50 percent in fibroblasts (Hoffmann 2012) or lymphocytes (Spiekerkoetter 2010). This variant is also reported in ClinVar (Variation ID: 203579). It is only found on five alleles in the Genome Aggregation Database, indicating it is not a common polymorphism. The arginine at codon 366 is highly conserved, and computational analyses predict that this variant is deleterious (REVEL: 0.955). Based on available information, this variant is considered to be pathogenic. References: Andresen BS et al. Cloning and characterization of human very-long-chain acyl-CoA dehydrogenase cDNA, chromosomal assignment of the gene and identification in four patients of nine different mutations within the VLCAD gene. Hum Mol Genet. 1996; 5(4):461-72. PMID: 8845838. Hoffman L et al. VLCAD enzyme activity determinations in newborns identified by screening: a valuable tool for risk assessment. J Inherit Metab Dis. 2012; 35(2):269-77. PMID: 21932095. Spiekerkoetter U et al. Tandem mass spectrometry screening for very long-chain acyl-CoA dehydrogenase deficiency: the value of second-tier enzyme testing. J Pediatr. 2010; 157(4):668-73. PMID: 20547398.

Greenwood Genetic Center Diagnostic Laboratories, Greenwood Genetic Center
Classification: Likely pathogenic for Very long chain acyl-CoA dehydrogenase deficiency. Last evaluated: 2021-10-21. Review status: criteria provided, single submitter. Criteria: ACMG Guidelines, 2015. Collection method: clinical testing. Allele origin: germline. Affected: yes. Not counted in ClinVar's aggregate classification.
Comment: PS3, PM3, PP3

Center for Genomics, Ann and Robert H. Lurie Children's Hospital of Chicago
Classification: Pathogenic for Very long chain acyl-CoA dehydrogenase deficiency. Last evaluated: 2021-03-30. Review status: criteria provided, single submitter. Criteria: ACMG Guidelines, 2015. Collection method: clinical testing. Allele origin: germline. Not counted in ClinVar's aggregate classification.
Comment: ACADVL NM_000018.3 exon 11 p.Arg366Cys (c.1096C>T): This variant (also referred to as Arg326Cys) has been reported in the literature in the compound heterozygous state and in the heterozygous state with no second allele identified in several individuals affected with VLCAD deficiency (Andresen 1996 PMID:8845838, Andresen 1999 PMID:9973285, Hoffmann 2012 PMID:21932095). This variant is present in 0.006% (1/16256) of African alleles in the Genome Aggregation Database. Please note, disease causing variants may be present in control databases at low frequencies, reflective of the general population, carrier status, and/or variable expressivity. This variant is present in ClinVar, with several labs classifying this variant as pathogenic (Variation ID:203579). Evolutionary conservation and computational predictive tools suggest that this variant may impact the protein. Additionally, another variant at the same amino acid residue (Arg366His, also referred to as Arg362His) has been associated with disease, supporting the potential functional relevance of this codon. In summary, this variant is classified as pathogenic based on the data above.

Laboratory for Molecular Medicine, Mass General Brigham Personalized Medicine
Classification: Likely pathogenic for Very long chain acyl-CoA dehydrogenase deficiency. Last evaluated: 2020-07-23. Review status: criteria provided, single submitter. Criteria: ACMG Guidelines, 2015. Collection method: clinical testing. Allele origin: germline. Inheritance: Autosomal recessive inheritance. Not counted in ClinVar's aggregate classification.
Comment: The p.Arg366Cys variant (also described as p.Arg326Cys in the literature) in ACADVL has been previously reported in the compound heterozygous state in 1 individual with very long chain acyl-CoA dehydrogenase deficiency (VLCADD) with at least 1 additional disease-causing variant (Andresen 1996 PMID 8845838). It has also been reported in the heterozygous state at least individual with VLCADD without a second ACADVL variant identified (Hoffman 2012 PMID 21932095). This variant has also been reported by other clinical laboratories in ClinVar and was identified in 0.002% of pan ethnic chromosomes in gnomAD. This frequency is low enough to be consistent with a recessive carrier allele frequency. Functional studies using patient derived cell lines show reduced enzyme activity as well as reduced ACADVL protein levels (Andresen 1996 PMID 8845838, Andresen 1999 PMID 9973285, Hoffman 2012 PMID 21932095). Computational prediction tools and conservation analysis suggest an impact to the protein. Furthermore, another variant involving this codon (p.Arg366His) has been identified in several individuals with VLCADD and has been classified as pathogenic by multiple clinical laboratories (Boneh 2006 PMID 16488171, Gobin-Llimballe 2020 PMID 20060901, Antunes 2013 PMID 24263034, Evans 2016 PMID 27246109, ClinVar Variation ID: 203580). In summary, although additional studies are required to fully establish its clinical significance, this variant meets criteria to be classified as likely pathogenic for autosomal recessive VLCADD. ACMG/AMP criteria applied: PM3_Supporting, PM2, PS3_Supporting, PP3, PM5.

Wong Mito Lab, Molecular and Human Genetics, Baylor College of Medicine
Classification: Pathogenic for Very long chain acyl-CoA dehydrogenase deficiency. Last evaluated: 2019-11-01. Review status: criteria provided, single submitter. Criteria: ACMG Guidelines, 2015. Collection method: clinical testing. Allele origin: germline. Not counted in ClinVar's aggregate classification.
Comment: The NM_000018.3:c.1096C>T (NP_000009.1:p.Arg366Cys) [GRCH38: NC_000017.11:g.7223151C>T] variant in ACADVL gene is interpretated to be Pathogenic based on ACMG guidelines (PMID: 25741868). This variant has been reported in PMID: 8845838. This variant meets the following evidence codes reported in the ACMG guidelines: PS1, PS3

Center for Pediatric Genomic Medicine, Children's Mercy Hospital and Clinics
Classification: Pathogenic. Last evaluated: 2014-05-19. Review status: criteria provided, single submitter. Criteria: ACMG Guidelines, 2015. Collection method: clinical testing. Allele origin: germline. Not counted in ClinVar's aggregate classification.

Counsyl
Classification: Uncertain significance for Very long chain acyl-CoA dehydrogenase deficiency. Last evaluated: 2018-01-30. Review status: no assertion criteria provided. Collection method: clinical testing. Allele origin: unknown. Not counted in ClinVar's aggregate classification.

Literature cited by the submitters: PubMed 8845838 (cited by 7 submitters); PubMed 9973285 (cited by 3 submitters); PubMed 21932095 (cited by 4 submitters); PubMed 16488171 (cited by 3 submitters); PubMed 20060901 (cited by 3 submitters); PubMed 24263034 (cited by 3 submitters); PubMed 27246109 (cited by 3 submitters); PubMed 20547398 (cited by Mayo Clinic Laboratories, Mayo Clinic); PubMed 26385305 (cited by 3 submitters); PubMed 31980526 (cited by Mayo Clinic Laboratories, Mayo Clinic); PubMed 32793418 (cited by Mayo Clinic Laboratories, Mayo Clinic and Women's Health and Genetics/Laboratory Corporation of America, LabCorp); PubMed 35400565 (cited by Mayo Clinic Laboratories, Mayo Clinic and Women's Health and Genetics/Laboratory Corporation of America, LabCorp); PubMed 8739957 (cited by Women's Health and Genetics/Laboratory Corporation of America, LabCorp).